The following is an entry in ClinVar:

ClinVar aggregate classification (germline): Likely benign. Review status: criteria provided, single submitter (1 of 4 stars). 2 submissions from 2 submitters: Likely benign (1). 1 of the submissions does not count toward it. Last evaluated 2023-06-22.

Conditions:
PLXND1-related disorder. Also called: PLXND1-related condition.

Allele frequency attached by ClinVar (database versions not stated): ExAC 0.00003; gnomAD exomes 0.00003; gnomAD 0.00005; TOPMed 0.00014.
gnomAD v4.1: 54 of 1,605,768 alleles (0.0034%); highest among the groups gnomAD compares: Admixed American, 0.022%; no homozygotes.

Submissions (2):

Ambry Genetics
Classification: Likely benign. Last evaluated: 2023-06-22. Review status: criteria provided, single submitter. Criteria: Ambry Variant Classification Scheme 2023. Collection method: clinical testing. Allele origin: germline.

PreventionGenetics, part of Exact Sciences
Classification: Likely benign for PLXND1-related condition. Last evaluated: 2019-08-27. Review status: no assertion criteria provided. Collection method: clinical testing. Allele origin: germline. Not counted in ClinVar's aggregate classification.
Comment: This variant is classified as likely benign based on ACMG/AMP sequence variant interpretation guidelines (Richards et al. 2015 PMID: 25741868, with internal and published modifications).

NM_015103.3(PLXND1):c.3018C>T (p.Leu1006=)

Gene: PLXND1 (plexin D1; minus strand). Cytogenetic location: 3q22.1.
Variant type: single nucleotide variant.
Coding change: c.3018C>T on transcript NM_015103.3 (MANE Select); coding-DNA position 3018, C replaced by T.
Protein change: p.Leu1006=; no amino-acid change (leucine 1006 retained).
Molecular consequence: synonymous variant.
Genome position (GRCh38, 1-based): chr3:129,572,668, G>A on the plus strand (C>T on the coding strand, the complement: PLXND1 is on the minus strand). VCF-style: chr3-129572668-G-A. GRCh37 (hg19) VCF-style: chr3-129291511-G-A.
Identifiers: ClinVar variation 2596434 (VCV002596434.4), dbSNP rs755540185, ClinGen allele CA2608768.